The following is an entry in ClinVar:

NM_001963.6(EGF):c.3133A>T (p.Met1045Leu)

Gene: EGF (epidermal growth factor; plus strand). Cytogenetic location: 4q25.
Variant type: single nucleotide variant.
Coding change: c.3133A>T on transcript NM_001963.6 (MANE Select); coding-DNA position 3133, A replaced by T.
Protein change: p.Met1045Leu; replaces methionine 1045 with leucine.
Molecular consequence: missense variant.
Genome position (GRCh38, 1-based): chr4:109,999,806, A>T. VCF-style: chr4-109999806-A-T. GRCh37 (hg19) VCF-style: chr4-110920962-A-T.
Other names: c.3010A>T, p.Met1004Leu (NM_001178130.3); c.3007A>T, p.Met1003Leu (NM_001178131.3); c.2764A>T, p.Met922Leu (NM_001357021.2); short protein forms M1045L, M1003L, M922L, M1004L.
Identifiers: ClinVar variation 3507105 (VCV003507105.3).
Genomic context (GRCh38, chr4:109,999,806, plus strand): 5'-GCTGGCCACGGGCAGCAGCAGAAGGTCATCGTGGTGGCTGTCTGCGTGGTGGTGCTTGTC[A>T]TGCTGCTCCTCCTGAGCCTGTGGGGGGCCCACTACTACAGGTGACCCTGTCTTTCCTTTG-3'
Protein context (NP_001954.2, residues 1035-1055): VVAVCVVVLV[Met1045Leu]LLLLSLWGAH

ClinVar aggregate classification (germline): Conflicting classifications of pathogenicity. Review status: criteria provided, conflicting classifications (1 of 4 stars). 2 submissions from 2 submitters: Uncertain significance (1); Likely benign (1). Last evaluated 2024-11-26.

Submissions (2):

Ambry Genetics
Classification: Likely benign. Last evaluated: 2024-11-26. Review status: criteria provided, single submitter. Criteria: Ambry Variant Classification Scheme 2023. Collection method: clinical testing. Allele origin: germline.

Labcorp Genetics (formerly Invitae), Labcorp
Classification: Uncertain significance. Last evaluated: 2024-01-31. Review status: criteria provided, single submitter. Criteria: Invitae Variant Classification Sherloc (09022015). Collection method: clinical testing. Allele origin: germline.
Comment: This sequence change replaces methionine, which is neutral and non-polar, with leucine, which is neutral and non-polar, at codon 1045 of the EGF protein (p.Met1045Leu). This variant is not present in population databases (gnomAD no frequency). This variant has not been reported in the literature in individuals affected with EGF-related conditions. Algorithms developed to predict the effect of missense changes on protein structure and function output the following: SIFT: "Not Available"; PolyPhen-2: "Benign"; Align-GVGD: "Not Available". The leucine amino acid residue is found in multiple mammalian species, which suggests that this missense change does not adversely affect protein function. In summary, the available evidence is currently insufficient to determine the role of this variant in disease. Therefore, it has been classified as a Variant of Uncertain Significance.